The following is an entry in ClinVar:

ClinVar aggregate classification (germline): Pathogenic. Review status: no assertion criteria provided (0 of 4 stars). 2 submissions from 2 submitters: Pathogenic (2). Last evaluated 2021-02-19.

Conditions:
Microcephaly 26, primary, autosomal dominant. Identifiers: MedGen C5543048, MONDO:0030928, OMIM 619179.
Syndrome with microcephaly as major feature. Identifiers: Orphanet 269528, MedGen C5680774, MONDO:0017119.

Submissions (2):

OMIM
Classification: Pathogenic for MICROCEPHALY 26, PRIMARY, AUTOSOMAL DOMINANT. Last evaluated: 2021-02-19. Review status: no assertion criteria provided. Collection method: literature only. Allele origin: germline.

Center for Human Genetics, University of Leuven
Classification: Pathogenic for Syndrome with microcephaly as major feature. Last evaluated: 2020-02-20. Review status: no assertion criteria provided. Collection method: clinical testing. Allele origin: maternal. Inheritance: Autosomal dominant inheritance. Affected: yes.
Comment: We performed segregation analysis, Western blot, and several functional in vitro studies that support a clear pathogenic effect

Literature cited by the submitters: PubMed 32910914 (cited by OMIM).

NM_005573.4(LMNB1):c.939+2362_1491+560del

Gene: LMNB1 (lamin B1; plus strand). Cytogenetic location: 5q23.2.
Variant type: Deletion.
Coding change: c.939+2362_1491+560del on transcript NM_005573.4 (MANE Select); 2362 bases into the intron after coding-DNA position 939 through 560 bases into the intron after coding-DNA position 1491, 9,186 bases deleted.
Molecular consequence: splice acceptor variant, splice donor variant.
Genome position (GRCh38, 1-based): chr5:126,814,260-126,823,445, 9,186 bases deleted. GRCh37 (hg19): chr5:126,149,952-126,159,137.
Other names: 5q23.2(126,149,952-126,159,137)x1mat; EX6-8 DEL; c.309+2362_861+560del (NM_001198557.2).
Identifiers: ClinVar variation 915458 (VCV000915458.2), ClinGen allele CA1139659037.